The following is an entry in ClinVar:

NM_021076.4(NEFH):c.790A>G (p.Lys264Glu)

Gene: NEFH (neurofilament heavy chain; plus strand). Cytogenetic location: 22q12.2.
Variant type: single nucleotide variant.
Coding change: c.790A>G on transcript NM_021076.4 (MANE Select); coding-DNA position 790, A replaced by G.
Protein change: p.Lys264Glu; replaces lysine 264 with glutamic acid.
Molecular consequence: missense variant.
Genome position (GRCh38, 1-based): chr22:29,481,052, A>G. VCF-style: chr22-29481052-A-G. GRCh37 (hg19) VCF-style: chr22-29877041-A-G.
Other names: short protein forms K264E.
Identifiers: ClinVar variation 3045854 (VCV003045854.2), dbSNP rs2063004653, ClinGen allele CA411124084.

ClinVar aggregate classification (germline): Uncertain significance (0 of 4 stars; one submission).

Conditions:
NEFH-related disorder. Also called: NEFH-related condition.

Allele frequency attached by ClinVar (database versions not stated): gnomAD exomes below 0.00001; gnomAD 0.00001.
gnomAD v4.1: 3 of 1,531,516 alleles (0.0002%); highest among the groups gnomAD compares: Non-Finnish European, 0.00026%; no homozygotes.

Submission:

PreventionGenetics, part of Exact Sciences
Classification: Uncertain significance for NEFH-related condition. Last evaluated: 2023-11-22. Review status: no assertion criteria provided. Collection method: clinical testing. Allele origin: germline.
Comment: The NEFH c.790A>G variant is predicted to result in the amino acid substitution p.Lys264Glu. To our knowledge, this variant has not been reported in the literature or in a large population database, indicating this variant is rare. At this time, the clinical significance of this variant is uncertain due to the absence of conclusive functional and genetic evidence.